The following is an entry in ClinVar:

NM_000066.4(C8B):c.1577C>T (p.Pro526Leu)

Gene: C8B (complement C8 beta chain; minus strand). Cytogenetic location: 1p32.2.
Variant type: single nucleotide variant.
Coding change: c.1577C>T on transcript NM_000066.4 (MANE Select); coding-DNA position 1577, C replaced by T.
Protein change: p.Pro526Leu; replaces proline 526 with leucine.
Molecular consequence: missense variant.
Genome position (GRCh38, 1-based): chr1:56,931,854, G>A on the plus strand (C>T on the coding strand, the complement: C8B is on the minus strand). VCF-style: chr1-56931854-G-A. GRCh37 (hg19) VCF-style: chr1-57397527-G-A.
Other names: c.1421C>T, p.Pro474Leu (NM_001278543.2); c.1391C>T, p.Pro464Leu (NM_001278544.2); short protein forms P474L, P464L, P526L.
Identifiers: ClinVar variation 1895905 (VCV001895905.5), dbSNP rs749877724, ClinGen allele CA875594.

ClinVar aggregate classification (germline): Uncertain significance (1 of 4 stars; one submission).

Allele frequency attached by ClinVar (database versions not stated): gnomAD exomes below 0.00001; TOPMed below 0.00001; ExAC 0.00001; gnomAD 0.00001.
gnomAD v4.1: 6 of 1,612,252 alleles (0.00037%); highest among the groups gnomAD compares: Non-Finnish European, 0.00051%; no homozygotes.

Submission:

Labcorp Genetics (formerly Invitae), Labcorp
Classification: Uncertain significance. Last evaluated: 2022-01-01. Review status: criteria provided, single submitter. Criteria: Invitae Variant Classification Sherloc (09022015). Collection method: clinical testing. Allele origin: germline.
Comment: Algorithms developed to predict the effect of missense changes on protein structure and function are either unavailable or do not agree on the potential impact of this missense change (SIFT: "Deleterious"; PolyPhen-2: "Possibly Damaging"; Align-GVGD: "Class C0"). This variant has not been reported in the literature in individuals affected with C8B-related conditions. This variant is present in population databases (rs749877724, gnomAD 0.007%). This sequence change replaces proline, which is neutral and non-polar, with leucine, which is neutral and non-polar, at codon 526 of the C8B protein (p.Pro526Leu). In summary, the available evidence is currently insufficient to determine the role of this variant in disease. Therefore, it has been classified as a Variant of Uncertain Significance.